The following is an entry in ClinVar:

NM_001953.5(TYMP):c.977G>T (p.Gly326Val)

Genes: SCO2 (synthesis of cytochrome C oxidase 2; minus strand), TYMP (thymidine phosphorylase; minus strand), LOC130067862 (ATAC-STARR-seq lymphoblastoid silent region 13986; plus strand). Cytogenetic location: 22q13.33.
Variant type: single nucleotide variant.
Coding change: c.977G>T on transcript NM_001953.5 (MANE Select); coding-DNA position 977, G replaced by T.
Protein change: p.Gly326Val; replaces glycine 326 with valine.
Molecular consequence: missense variant. On other transcripts: 5 prime UTR variant (1).
Genome position (GRCh38, 1-based): chr22:50,526,428, C>A on the plus strand (G>T on the coding strand, the complement: TYMP is on the minus strand). VCF-style: chr22-50526428-C-A. GRCh37 (hg19) VCF-style: chr22-50964857-C-A.
Other names: c.977G>T, p.Gly326Val (NM_001113755.3, NM_001113756.3, NM_001257988.1 and 1 more transcripts); c.-196G>T (NM_001169109.2); short protein forms G326V.
Identifiers: ClinVar variation 1509541 (VCV001509541.7), dbSNP rs1373519372, ClinGen allele CA412198150.

ClinVar aggregate classification (germline): Uncertain significance. Review status: criteria provided, multiple submitters, no conflicts (2 of 4 stars). 2 submissions from 2 submitters: Uncertain significance (2). Last evaluated 2025-08-28.

Conditions:
Inborn genetic diseases. Identifiers: MedGen C0950123, MeSH D030342.

gnomAD v4.1: 2 of 1,510,078 alleles (0.00013%); highest among the groups gnomAD compares: Non-Finnish European, 0.00018%; no homozygotes.

Submissions (2):

Ambry Genetics
Classification: Uncertain significance for Inborn genetic diseases. Last evaluated: 2025-08-28. Review status: criteria provided, single submitter. Criteria: Ambry Variant Classification Scheme 2023. Collection method: clinical testing. Allele origin: germline.

Labcorp Genetics (formerly Invitae), Labcorp
Classification: Uncertain significance. Last evaluated: 2021-12-02. Review status: criteria provided, single submitter. Criteria: Invitae Variant Classification Sherloc (09022015). Collection method: clinical testing. Allele origin: germline.
Comment: This sequence change replaces glycine, which is neutral and non-polar, with valine, which is neutral and non-polar, at codon 326 of the TYMP protein (p.Gly326Val). This variant is not present in population databases (gnomAD no frequency). This variant has not been reported in the literature in individuals affected with TYMP-related conditions. Advanced modeling of protein sequence and biophysical properties (such as structural, functional, and spatial information, amino acid conservation, physicochemical variation, residue mobility, and thermodynamic stability) performed at Invitae indicates that this missense variant is expected to disrupt TYMP protein function. Algorithms developed to predict the effect of sequence changes on RNA splicing suggest that this variant may create or strengthen a splice site. In summary, the available evidence is currently insufficient to determine the role of this variant in disease. Therefore, it has been classified as a Variant of Uncertain Significance.